The following is an entry in ClinVar:

NM_015629.4(PRPF31):c.850C>T (p.Pro284Ser)

Gene: PRPF31 (pre-mRNA processing factor 31; plus strand). Cytogenetic location: 19q13.42.
Variant type: single nucleotide variant.
Coding change: c.850C>T on transcript NM_015629.4 (MANE Select); coding-DNA position 850, C replaced by T.
Protein change: p.Pro284Ser; replaces proline 284 with serine.
Molecular consequence: missense variant.
Genome position (GRCh38, 1-based): chr19:54,124,651, C>T. VCF-style: chr19-54124651-C-T. GRCh37 (hg19) VCF-style: chr19-54628030-C-T.
Other names: short protein forms P284S.
Identifiers: ClinVar variation 3377299 (VCV003377299.1).

ClinVar aggregate classification (germline): Uncertain significance (1 of 4 stars; one submission).

Conditions:
Retinitis pigmentosa 11 (RP11). Identifiers: Orphanet 791, MedGen C1838601, MONDO:0010828, OMIM 600138.

Submission:

Victorian Clinical Genetics Services, Murdoch Childrens Research Institute
Classification: Uncertain significance for Retinitis pigmentosa 11. Last evaluated: 2024-10-09. Review status: criteria provided, single submitter. Criteria: ACMG Guidelines, 2015. Collection method: clinical testing. Allele origin: germline. Inheritance: Autosomal dominant inheritance. Affected: yes.
Comment: Based on the classification scheme VCGS_Germline_v1.3.4, this variant is classified as VUS-3B. Following criteria are met: 0102 - Loss of function is a known mechanism of disease in this gene and is associated with retinitis pigmentosa 11 (MIM#600138). Dominant negative is a suggested mechanism (PMID: 31892304). (I) 0107 - This gene is associated with autosomal dominant disease. (I) 0112 - The condition associated with this gene has incomplete penetrance (OMIM, PMID: 32014492). (I) 0115 - Variants in this gene are known to have variable expressivity. Intrafamilial variability has been reported and individuals carrying the same variant can have a range of phenotypic variation (OMIM, PMID: 32014492). (I) 0200 - Variant is predicted to result in a missense amino acid change from proline to serine. (I) 0251 - This variant is heterozygous. (I) 0301 - Variant is absent from gnomAD (both v2 and v3). (SP) 0309 - An alternative amino acid change at the same position has been observed in gnomAD (v2) (1 heterozygote, 0 homozygotes). (I) 0502 - Missense variant with conflicting in silico predictions and uninformative conservation. (I) 0600 - Variant is located in the annotated Nop domain (DECIPHER). (I) 0705 - No comparable missense variants have previous evidence for pathogenicity. (I) 0807 - This variant has no previous evidence of pathogenicity. (I) 0905 - No published segregation evidence has been identified for this variant. (I) 1007 - No published functional evidence has been identified for this variant. (I) 1208 - Inheritance information for this variant is not currently available in this individual. (I) Legend: (SP) - Supporting pathogenic, (I) - Information, (SB) - Supporting benign

Literature cited by the submitters: PubMed 31892304; PubMed 32014492.